The following is an entry in ClinVar:

NM_001242896.3(DEPDC5):c.4144G>A (p.Ala1382Thr)

Gene: DEPDC5 (DEP domain containing 5, GATOR1 subcomplex subunit; plus strand). Cytogenetic location: 22q12.3.
Variant type: single nucleotide variant.
Coding change: c.4144G>A on transcript NM_001242896.3 (MANE Select); coding-DNA position 4144, G replaced by A.
Protein change: p.Ala1382Thr; replaces alanine 1382 with threonine.
Molecular consequence: missense variant. On other transcripts: non-coding transcript variant (5).
Genome position (GRCh38, 1-based): chr22:31,893,692, G>A. VCF-style: chr22-31893692-G-A. GRCh37 (hg19) VCF-style: chr22-32289678-G-A.
Other names: c.4117G>A, p.Ala1373Thr (NM_001136029.4); c.3844G>A, p.Ala1282Thr (NM_001242897.2); c.4078G>A, p.Ala1360Thr (NM_001363852.2, NM_001364320.2); c.3910G>A, p.Ala1304Thr (NM_001363854.2, NM_001364319.2); c.4144G>A, p.Ala1382Thr (NM_001364318.2); c.4060G>A, p.Ala1354Thr (NM_001369901.1, NM_001369902.1); c.4051G>A, p.Ala1351Thr (NM_001369903.1, NM_014662.6); short protein forms A1282T, A1304T, A1351T, A1354T, A1360T, A1373T, A1382T.
Identifiers: ClinVar variation 1060730 (VCV001060730.10), dbSNP rs2093488105, ClinGen allele CA411287159.

ClinVar aggregate classification (germline): Uncertain significance. Review status: criteria provided, multiple submitters, no conflicts (2 of 4 stars). 2 submissions from 2 submitters: Uncertain significance (2). Last evaluated 2023-05-09.

Conditions:
Familial focal epilepsy with variable foci (FPEVF). Identifiers: Orphanet 98820, MedGen C1858477, MONDO:0020310.

Allele frequency attached by ClinVar (database versions not stated): TOPMed below 0.00001.

Submissions (2):

Blueprint Genetics
Classification: Uncertain significance. Last evaluated: 2023-05-09. Review status: criteria provided, single submitter. Criteria: ACMG Guidelines, 2015. Collection method: clinical testing. Allele origin: germline.

Labcorp Genetics (formerly Invitae), Labcorp
Classification: Uncertain significance for Familial focal epilepsy with variable foci. Last evaluated: 2020-06-21. Review status: criteria provided, single submitter. Criteria: Invitae Variant Classification Sherloc (09022015). Collection method: clinical testing. Allele origin: germline.
Comment: This sequence change replaces alanine with threonine at codon 1382 of the DEPDC5 protein (p.Ala1382Thr). The alanine residue is highly conserved and there is a small physicochemical difference between alanine and threonine. This variant is not present in population databases (ExAC no frequency). This variant has not been reported in the literature in individuals with DEPDC5-related conditions. Algorithms developed to predict the effect of missense changes on protein structure and function are either unavailable or do not agree on the potential impact of this missense change (SIFT: "Tolerated"; PolyPhen-2: "Not Available"; Align-GVGD: "Class C0"). In summary, the available evidence is currently insufficient to determine the role of this variant in disease. Therefore, it has been classified as a Variant of Uncertain Significance.